The following is an entry in ClinVar:

ClinVar aggregate classification (germline): Uncertain significance. Review status: criteria provided, multiple submitters, no conflicts (2 of 4 stars). 2 submissions from 2 submitters: Uncertain significance (2). Last evaluated 2026-05-19.

Conditions:
Inborn genetic diseases. Identifiers: MedGen C0950123, MeSH D030342.

gnomAD v4.1: 1 of 1,614,194 alleles (0.000062%); highest among the groups gnomAD compares: Non-Finnish European, 0.000085%; no homozygotes.

Submissions (2):

Ambry Genetics
Classification: Uncertain significance for Inborn genetic diseases. Last evaluated: 2026-05-19. Review status: criteria provided, single submitter. Criteria: Ambry Variant Classification Scheme 2023. Collection method: clinical testing. Allele origin: germline.

GeneDx
Classification: Uncertain significance. Last evaluated: 2024-07-26. Review status: criteria provided, single submitter. Criteria: GeneDx Variant Classification Process June 2021. Collection method: clinical testing. Allele origin: germline. Affected: yes.
Comment: Not observed at significant frequency in large population cohorts (gnomAD); In silico analysis supports that this missense variant has a deleterious effect on protein structure/function; Has not been previously published as pathogenic or benign to our knowledge

NM_001348768.2(HECW2):c.1385A>T (p.His462Leu)

Gene: HECW2 (HECT, C2 and WW domain containing E3 ubiquitin protein ligase 2; minus strand). Cytogenetic location: 2q32.3.
Variant type: single nucleotide variant.
Coding change: c.1385A>T on transcript NM_001348768.2 (MANE Select); coding-DNA position 1385, A replaced by T.
Protein change: p.His462Leu; replaces histidine 462 with leucine.
Molecular consequence: missense variant.
Genome position (GRCh38, 1-based): chr2:196,319,505, T>A on the plus strand (A>T on the coding strand, the complement: HECW2 is on the minus strand). VCF-style: chr2-196319505-T-A. GRCh37 (hg19) VCF-style: chr2-197184229-T-A.
Other names: c.317A>T, p.His106Leu (NM_001304840.3); c.1385A>T, p.His462Leu (NM_020760.4); short protein forms H106L, H462L.
Identifiers: ClinVar variation 3600885 (VCV003600885.2).
Genomic context (GRCh38, chr2:196,319,505, plus strand): 5'-AAGGAAGATGGGTAACCCAGGTCTTGCTGGAACTCGTGATCTTCTTCATCTGAATCAATA[T>A]GAAGCATGGCATTGAGTCTTGTGTCAGTGGGAAAACTACTCCTCAGTTTCGGAGAGGCAC-3'
Protein context (NP_001335697.1, residues 452-472): PTDTRLNAML[His462Leu]IDSDEEDHEF